The following is an entry in ClinVar:

ClinVar aggregate classification (germline): Uncertain significance (1 of 4 stars; one submission).

Conditions:
SEMA3D-related disorder. Also called: SEMA3D-related condition.

gnomAD v4.1: 1 of 1,575,264 alleles (0.000063%); highest among the groups gnomAD compares: Non-Finnish European, 0.000087%; no homozygotes.

Submission:

PreventionGenetics, part of Exact Sciences
Classification: Uncertain significance for SEMA3D-related condition. Last evaluated: 2026-08-11. Review status: criteria provided, single submitter. Criteria: ACMG Guidelines, 2015. Collection method: clinical testing. Allele origin: germline.
Comment: The SEMA3D c.751G>A variant is predicted to result in the amino acid substitution p.Asp251Asn. To our knowledge, this variant has not been reported in the literature or in a large population database (gnomAD), indicating this variant is rare. At this time, the clinical significance of this variant is uncertain due to the absence of conclusive functional and genetic evidence.

NM_001384900.1(SEMA3D):c.751G>A (p.Asp251Asn)

Gene: SEMA3D (semaphorin 3D; minus strand). Cytogenetic location: 7q21.11.
Variant type: single nucleotide variant.
Coding change: c.751G>A on transcript NM_001384900.1 (MANE Select); coding-DNA position 751, G replaced by A.
Protein change: p.Asp251Asn; replaces aspartic acid 251 with asparagine.
Molecular consequence: missense variant.
Genome position (GRCh38, 1-based): chr7:85,055,827, C>T on the plus strand (G>A on the coding strand, the complement: SEMA3D is on the minus strand). VCF-style: chr7-85055827-C-T. GRCh37 (hg19) VCF-style: chr7-84685143-C-T.
Other names: c.751G>A, p.Asp251Asn (NM_001384901.1, NM_001384902.1, NM_001384903.1 and 1 more transcripts); short protein forms D251N.
Identifiers: ClinVar variation 4983779 (VCV004983779.1).